The following is an entry in ClinVar:

ClinVar aggregate classification (germline): Uncertain significance. Review status: criteria provided, multiple submitters, no conflicts (2 of 4 stars). 2 submissions from 2 submitters: Uncertain significance (2). Last evaluated 2022-09-07.

Conditions:
Inborn genetic diseases. Identifiers: MedGen C0950123, MeSH D030342.

Allele frequency attached by ClinVar (database versions not stated): gnomAD exomes 0.00001 and 0.00003; ExAC 0.00002; gnomAD 0.00003; TOPMed 0.00005; ESP Exome Variant Server 0.00015.
gnomAD v4.1: 25 of 1,614,050 alleles (0.0015%); highest among the groups gnomAD compares: Admixed American, 0.0083%; no homozygotes.

Submissions (2):

Labcorp Genetics (formerly Invitae), Labcorp
Classification: Uncertain significance. Last evaluated: 2022-09-07. Review status: criteria provided, single submitter. Criteria: Invitae Variant Classification Sherloc (09022015). Collection method: clinical testing. Allele origin: germline.
Comment: This sequence change replaces proline, which is neutral and non-polar, with leucine, which is neutral and non-polar, at codon 118 of the ORC1 protein (p.Pro118Leu). The frequency data for this variant in the population databases is considered unreliable, as metrics indicate poor data quality at this position in the gnomAD database. In summary, the available evidence is currently insufficient to determine the role of this variant in disease. Therefore, it has been classified as a Variant of Uncertain Significance. Algorithms developed to predict the effect of missense changes on protein structure and function (SIFT, PolyPhen-2, Align-GVGD) all suggest that this variant is likely to be tolerated. ClinVar contains an entry for this variant (Variation ID: 1051240). This variant has not been reported in the literature in individuals affected with ORC1-related conditions.

Ambry Genetics
Classification: Uncertain significance for Inborn genetic diseases. Last evaluated: 2022-07-08. Review status: criteria provided, single submitter. Criteria: Ambry Variant Classification Scheme 2023. Collection method: clinical testing. Allele origin: germline.

NM_004153.4(ORC1):c.353C>T (p.Pro118Leu)

Gene: ORC1 (origin recognition complex subunit 1; minus strand). Cytogenetic location: 1p32.3.
Variant type: single nucleotide variant.
Coding change: c.353C>T on transcript NM_004153.4 (MANE Select); coding-DNA position 353, C replaced by T.
Protein change: p.Pro118Leu; replaces proline 118 with leucine.
Molecular consequence: missense variant.
Genome position (GRCh38, 1-based): chr1:52,397,734, G>A on the plus strand (C>T on the coding strand, the complement: ORC1 is on the minus strand). VCF-style: chr1-52397734-G-A. GRCh37 (hg19) VCF-style: chr1-52863406-G-A.
Other names: c.353C>T, p.Pro118Leu (NM_001190818.2, NM_001190819.2); c.353C>T (NM_004153.3); short protein forms P118L.
Identifiers: ClinVar variation 1051240 (VCV001051240.10), dbSNP rs144124555, ClinGen allele CA853615.
Genomic context (GRCh38, chr1:52,397,734, plus strand): 5'-GCATCACCTACCCGAACAAGGCCAATGATGGTCTCCGCATTAATGTTGCTGTCACAGGCC[G>A]GGTAATCATACCAGAATATTTCCTGTGCACCAGGCTTCCGGCCCAACAAATGCCGTTTAC-3'
Protein context (NP_004144.2, residues 108-128): GAQEIFWYDY[Pro118Leu]ACDSNINAET